The following is an entry in ClinVar:

NM_000245.4(MET):c.3554G>A (p.Gly1185Asp)

Gene: MET (MET proto-oncogene, receptor tyrosine kinase; plus strand). Cytogenetic location: 7q31.2.
Variant type: single nucleotide variant.
Coding change: c.3554G>A on transcript NM_000245.4 (MANE Select); coding-DNA position 3554, G replaced by A.
Protein change: p.Gly1185Asp; replaces glycine 1185 with aspartic acid.
Molecular consequence: missense variant.
Genome position (GRCh38, 1-based): chr7:116,782,019, G>A. VCF-style: chr7-116782019-G-A. GRCh37 (hg19) VCF-style: chr7-116422073-G-A.
Other names: c.3608G>A, p.Gly1203Asp (NM_001127500.3); c.2264G>A, p.Gly755Asp (NM_001324402.2); short protein forms G1203D, G755D, G1185D.
Identifiers: ClinVar variation 1733176 (VCV001733176.7), dbSNP rs1367445940, ClinGen allele CA368990962.

ClinVar aggregate classification (germline): Uncertain significance. Review status: criteria provided, multiple submitters, no conflicts (2 of 4 stars). 2 submissions from 2 submitters: Uncertain significance (2). Last evaluated 2022-03-16.

Conditions:
Renal cell carcinoma. Identifiers: Orphanet 217071, MedGen C0007134, MeSH D002292, MONDO:0005086, HP:0005584.
Hereditary cancer-predisposing syndrome. Also called: Neoplastic Syndromes, Hereditary; Tumor predisposition; Hereditary Cancer Syndrome; Hereditary neoplastic syndrome. Identifiers: Orphanet 140162, MedGen C0027672, MeSH D009386, MONDO:0015356.

Allele frequency attached by ClinVar (database versions not stated): gnomAD exomes below 0.00001; TOPMed below 0.00001; gnomAD 0.00001.
gnomAD v4.1: 2 of 1,613,660 alleles (0.00012%); highest among the groups gnomAD compares: Non-Finnish European, 0.00017%; no homozygotes.

Submissions (2):

Ambry Genetics
Classification: Uncertain significance for Hereditary cancer-predisposing syndrome. Last evaluated: 2022-03-16. Review status: criteria provided, single submitter. Criteria: Ambry Variant Classification Scheme 2023. Collection method: clinical testing. Allele origin: germline.
Comment: The p.G1203D variant (also known as c.3608G>A), located in coding exon 17 of the MET gene, results from a G to A substitution at nucleotide position 3608. The glycine at codon 1203 is replaced by aspartic acid, an amino acid with similar properties. This amino acid position is conserved. In addition, this alteration is predicted to be deleterious by in silico analysis. Since supporting evidence is limited at this time, the clinical significance of this alteration remains unclear.

Labcorp Genetics (formerly Invitae), Labcorp
Classification: Uncertain significance for Renal cell carcinoma. Last evaluated: 2022-03-11. Review status: criteria provided, single submitter. Criteria: Invitae Variant Classification Sherloc (09022015). Collection method: clinical testing. Allele origin: germline.
Comment: In summary, the available evidence is currently insufficient to determine the role of this variant in disease. Therefore, it has been classified as a Variant of Uncertain Significance. Algorithms developed to predict the effect of missense changes on protein structure and function are either unavailable or do not agree on the potential impact of this missense change (SIFT: "Deleterious"; PolyPhen-2: "Probably Damaging"; Align-GVGD: "Class C15"). This variant has not been reported in the literature in individuals affected with MET-related conditions. This variant is not present in population databases (gnomAD no frequency). This sequence change replaces glycine, which is neutral and non-polar, with aspartic acid, which is acidic and polar, at codon 1203 of the MET protein (p.Gly1203Asp).